The following is an entry in ClinVar:

ClinVar aggregate classification (germline): Uncertain significance (1 of 4 stars; one submission).

Submission:

Labcorp Genetics (formerly Invitae), Labcorp
Classification: Uncertain significance. Last evaluated: 2021-04-10. Review status: criteria provided, single submitter. Criteria: Invitae Variant Classification Sherloc (09022015). Collection method: clinical testing. Allele origin: germline.
Comment: A gross deletion of the genomic region encompassing the full coding sequence of the CYFIP2 gene has been identified. The current clinical and genetic evidence is not sufficient to establish whether loss-of-function variants in CYFIP2 cause disease. The boundaries of this event are unknown as they extend beyond the assayed region for this gene and therefore may encompass additional genes. This variant has not been reported in the literature in individuals with CYFIP2-related conditions. In summary, the available evidence is currently insufficient to determine the role of this variant in disease. Therefore, it has been classified as a Variant of Uncertain Significance.

NC_000005.9:g.(?_155935591)_(156899968_?)del

Genes: CYFIP2 (cytoplasmic FMR1 interacting protein 2; plus strand), FNDC9 (fibronectin type III domain containing 9; minus strand), GARIN3 (golgi associated RAB2 interactor family member 3; minus strand), HAVCR1 (hepatitis A virus cellular receptor 1; minus strand), HAVCR2 (hepatitis A virus cellular receptor 2; minus strand) and 5 more. Cytogenetic location: 5q33.3.
Variant type: Deletion.
Identifiers: ClinVar variation 1481597 (VCV001481597.4).